The following is an entry in ClinVar:

NM_005228.5(EGFR):c.1950G>A (p.Met650Ile)

Gene: EGFR (epidermal growth factor receptor; plus strand). Cytogenetic location: 7p11.2.
Variant type: single nucleotide variant.
Coding change: c.1950G>A on transcript NM_005228.5 (MANE Select); coding-DNA position 1950, G replaced by A.
Protein change: p.Met650Ile; replaces methionine 650 with isoleucine.
Molecular consequence: missense variant.
Genome position (GRCh38, 1-based): chr7:55,173,013, G>A. VCF-style: chr7-55173013-G-A. GRCh37 (hg19) VCF-style: chr7-55240706-G-A.
Other names: c.1815G>A, p.Met605Ile (NM_001346897.2, NM_001346899.2); c.1950G>A, p.Met650Ile (NM_001346898.2); c.1791G>A, p.Met597Ile (NM_001346900.2); c.1149G>A, p.Met383Ile (NM_001346941.2); short protein forms M383I, M605I, M597I, M650I.
Identifiers: ClinVar variation 1503339 (VCV001503339.8), dbSNP rs2128952445, ClinGen allele CA367582948.

ClinVar aggregate classification (germline): Uncertain significance (1 of 4 stars; one submission).

Conditions:
EGFR-related lung cancer (EGFR). Identifiers: MedGen CN130014.

Submission:

Labcorp Genetics (formerly Invitae), Labcorp
Classification: Uncertain significance for EGFR-related lung cancer. Last evaluated: 2021-07-03. Review status: criteria provided, single submitter. Criteria: Invitae Variant Classification Sherloc (09022015). Collection method: clinical testing. Allele origin: germline.
Comment: This sequence change replaces methionine with isoleucine at codon 650 of the EGFR protein (p.Met650Ile). The methionine residue is weakly conserved and there is a small physicochemical difference between methionine and isoleucine. In summary, the available evidence is currently insufficient to determine the role of this variant in disease. Therefore, it has been classified as a Variant of Uncertain Significance. Algorithms developed to predict the effect of missense changes on protein structure and function output the following: SIFT: "Tolerated"; PolyPhen-2: "Benign"; Align-GVGD: "Class C0". The isoleucine amino acid residue is found in multiple mammalian species, which suggests that this missense change does not adversely affect protein function. This variant has not been reported in the literature in individuals affected with EGFR-related conditions. This variant is not present in population databases (ExAC no frequency).